The following is an entry in ClinVar:

NM_001039591.3(USP9X):c.3870A>G (p.Glu1290=)

Gene: USP9X (ubiquitin specific peptidase 9 X-linked; plus strand). Cytogenetic location: Xp11.4.
Variant type: single nucleotide variant.
Coding change: c.3870A>G on transcript NM_001039591.3 (MANE Select); coding-DNA position 3870, A replaced by G.
Protein change: p.Glu1290=; no amino-acid change (glutamic acid 1290 retained).
Molecular consequence: synonymous variant.
Genome position (GRCh38, 1-based): chrX:41,189,368, A>G. VCF-style: chrX-41189368-A-G. GRCh37 (hg19) VCF-style: chrX-41048621-A-G.
Other names: c.3870A>G, p.Glu1290= (NM_001039590.3); c.3885A>G, p.Glu1295= (NM_001410748.1, NM_001410749.1).
Identifiers: ClinVar variation 1991410 (VCV001991410.29), dbSNP rs761786011, ClinGen allele CA10388787.

ClinVar aggregate classification (germline): Likely benign. Review status: criteria provided, multiple submitters, no conflicts (2 of 4 stars). 2 submissions from 2 submitters: Likely benign (2). Last evaluated 2026-02-01.

Allele frequency attached by ClinVar (database versions not stated): ExAC 0.00001; gnomAD exomes 0.00002.
gnomAD v4.1: 8 of 1,210,330 alleles (0.00066%); highest among the groups gnomAD compares: Non-Finnish European, 0.00078%; no homozygotes.

Submissions (4):

CeGaT Center for Human Genetics Tuebingen
Classification: Likely benign. Last evaluated: 2026-02-01. Review status: criteria provided, single submitter. Criteria: CeGaT Center For Human Genetics Tuebingen Variant Classification Criteria Version 2. Collection method: clinical testing. Allele origin: germline. Affected: yes. Observed: 3 variant alleles.
Comment: USP9X: BP4, BP7, BS2

Labcorp Genetics (formerly Invitae), Labcorp
Classification: Likely benign. Last evaluated: 2025-05-14. Review status: criteria provided, single submitter. Criteria: Invitae Variant Classification Sherloc (09022015). Collection method: clinical testing. Allele origin: germline.

Dr. Peter K. Rogan Lab, Western University
No classification provided (evidence only). Condition: Nonpapillary renal cell carcinoma. Review status: no classification provided. Collection method: in vitro. Allele origin: not applicable. Functional consequence: retained intron. Not counted in ClinVar's aggregate classification.

Dr. Peter K. Rogan Lab, Western University
No classification provided (evidence only). Condition: Nonpapillary renal cell carcinoma. Review status: no classification provided. Collection method: in vitro. Allele origin: not applicable. Functional consequence: retained intron. Not counted in ClinVar's aggregate classification.